The following is an entry in ClinVar:

NM_005560.6(LAMA5):c.3670C>T (p.Arg1224Cys)

Gene: LAMA5 (laminin subunit alpha 5; minus strand). Cytogenetic location: 20q13.33.
Variant type: single nucleotide variant.
Coding change: c.3670C>T on transcript NM_005560.6 (MANE Select); coding-DNA position 3670, C replaced by T.
Protein change: p.Arg1224Cys; replaces arginine 1224 with cysteine.
Molecular consequence: missense variant.
Genome position (GRCh38, 1-based): chr20:62,330,925, G>A on the plus strand (C>T on the coding strand, the complement: LAMA5 is on the minus strand). VCF-style: chr20-62330925-G-A. GRCh37 (hg19) VCF-style: chr20-60905981-G-A.
Other names: short protein forms R1224C.
Identifiers: ClinVar variation 3289981 (VCV003289981.2).

ClinVar aggregate classification (germline): Uncertain significance. Review status: criteria provided, multiple submitters, no conflicts (2 of 4 stars). 2 submissions from 2 submitters: Uncertain significance (2). Last evaluated 2025-05-19.

Conditions:
Inborn genetic diseases. Identifiers: MedGen C0950123, MeSH D030342.

gnomAD v4.1: 17 of 1,550,502 alleles (0.0011%); highest among the groups gnomAD compares: East Asian, 0.0024%; no homozygotes.

Submissions (2):

GeneDx
Classification: Uncertain significance. Last evaluated: 2025-05-19. Review status: criteria provided, single submitter. Criteria: GeneDx Variant Classification Process June 2021. Collection method: clinical testing. Allele origin: germline. Affected: yes.
Comment: In silico analysis supports that this missense variant has a deleterious effect on protein structure/function; Has not been previously published as pathogenic or benign to our knowledge

Ambry Genetics
Classification: Uncertain significance for Inborn genetic diseases. Last evaluated: 2024-05-20. Review status: criteria provided, single submitter. Criteria: Ambry Variant Classification Scheme 2023. Collection method: clinical testing. Allele origin: germline.